The following is an entry in ClinVar:

ClinVar aggregate classification (germline): Pathogenic. Review status: criteria provided, multiple submitters, no conflicts (2 of 4 stars). 8 submissions from 8 submitters: Pathogenic (5). 3 of the submissions do not count toward it. Last evaluated 2025-12-13.

Conditions:
ALPL-related disorder. Also called: ALPL-related disorders; ALPL-related condition.
Hypophosphatasia. Also called: Phosphoethanol-aminuria. Identifiers: Orphanet 436, MedGen C0020630, MeSH D007014, MONDO:0018570.
Adult hypophosphatasia. Identifiers: Orphanet 247676, Orphanet 436, MedGen C0268413, MONDO:1010154, OMIM 146300, MONDO:0007798.
Infantile hypophosphatasia. Identifiers: Orphanet 247651, Orphanet 436, MedGen C0268412, MONDO:1010169, OMIM 241500, MONDO:0009427.

Submissions (8):

Labcorp Genetics (formerly Invitae), Labcorp
Classification: Pathogenic. Last evaluated: 2025-12-13. Review status: criteria provided, single submitter. Criteria: Invitae Variant Classification Sherloc (09022015). Collection method: clinical testing. Allele origin: germline.
Comment: This sequence change replaces arginine, which is basic and polar, with cysteine, which is neutral and slightly polar, at codon 71 of the ALPL protein (p.Arg71Cys). This variant is not present in population databases (gnomAD no frequency). This missense change has been observed in individual(s) with clinical features of hypophosphatasia (PMID: 1409720, 31600233). In at least one individual the data is consistent with being in trans (on the opposite chromosome) from a pathogenic variant. This variant is also known as Arg54Cys. ClinVar contains an entry for this variant (Variation ID: 13663). Invitae Evidence Modeling of protein sequence and biophysical properties (such as structural, functional, and spatial information, amino acid conservation, physicochemical variation, residue mobility, and thermodynamic stability) indicates that this missense variant is expected to disrupt ALPL protein function with a positive predictive value of 95%. Experimental studies have shown that this missense change affects ALPL function (PMID: 10839996). This variant disrupts the p.Arg71 amino acid residue in ALPL. Other variant(s) that disrupt this residue have been determined to be pathogenic (PMID: 11438998, 22322541, 22397652, 25731960, 31760938). This suggests that this residue is clinically significant, and that variants that disrupt this residue are likely to be disease-causing. For these reasons, this variant has been classified as Pathogenic.

Genomenon, Inc
Classification: Pathogenic for Hypophosphatasia. Last evaluated: 2025-08-29. Review status: criteria provided, single submitter. Criteria: Genomenon Sequence Variant Interpretation Standards. Collection method: curation. Allele origin: germline. Affected: yes.
Comment: ALPL c.211C>T is a missense variant that changes the amino acid at residue 71 from Arginine to Cysteine. This variant has been observed in multiple probands affected with hypophosphatasia (PMID:19500388;31600233;22322541;35878747;25731960;34498693;20383509;1409720). The variant was found to segregate with disease in at least one affected family (PMID:20383509). At least one functional study has demonstrated a substantial alteration in protein function relative to the wild-type (PMID:19500388;10839996;12162492;12499779). This variant is also reported as Arg54Cys in the literature. It is absent or not present at a significant frequency in gnomAD. In silico models agree that this variant is possibly or probably damaging. In conclusion, we classify ALPL p.Arg71Cys (c.211C>T) as a pathogenic variant.

Natera, Inc.
Classification: Pathogenic for Hypophosphatasia. Last evaluated: 2024-11-30. Review status: criteria provided, single submitter. Criteria: Natera Variant Classification Schema (03/2026). Collection method: clinical testing. Allele origin: germline.
Comment: The c.211C>T variant in ALPL is a missense variant predicted to cause substitution of arginine to cysteine at amino acid 71. This variant is rare in the general population with a frequency below the threshold expected for the associated phenotype(s). This variant has been observed in one or more individuals affected with the associated recessive disease, as either homozygous or compound heterozygous with a second variant (PMID: 32811521, 10839996, 8675582). This variant has been observed in affected individual(s) with monoallelic occurrence (heterozygous/hemizygous) (PMID: 32973344). Functional studies show that this variant may disrupt protein function (PMID: 12162492, 19500388, 32160374). A different variant at the same position has been determined to be Pathogenic or Likely Pathogenic. Computational prediction algorithms indicate this variant is likely to affect gene or protein function. Given the available evidence, this variant is classified as Pathogenic.

Women's Health and Genetics/Laboratory Corporation of America, LabCorp
Classification: Pathogenic for Hypophosphatasia. Last evaluated: 2024-07-18. Review status: criteria provided, single submitter. Criteria: LabCorp Variant Classification Summary - May 2015. Collection method: clinical testing. Allele origin: germline.
Comment: Variant summary: ALPL c.211C>T (p.Arg71Cys) results in a non-conservative amino acid change in the encoded protein sequence. Five of five in-silico tools predict a damaging effect of the variant on protein function. The variant was absent in 247944 control chromosomes. c.211C>T has been reported in the literature in individuals affected with Autosomal Recessive Hypophosphatasia and autosomal dominant odonto type Hypophosphatasia (Henthorn_1992, Okawa_2019). These data indicate that the variant may be associated with disease. At least two publications report experimental evidence evaluating an impact on protein function. The most pronounced variant effect results in diminished normal activity of ALPL in COS-1 cells (Fukushi-Irie_2000). A dominant-negative effect was also suggested in COS-7 cells (Fauvert_2009). Several different variant affecting the same codon has been classified as Pathogenic or Likely Pathogenic in ClinVar (c.211C>G p.Arg71Gly, c.211C>A p.Arg71Ser, c.212G>A p.Arg71His, c.212G>C p.Arg71Pro, c.1262C>T p.Ala421Val), supporting the critical relevance of codon 71 to ALPL protein function. The following publications have been ascertained in the context of this evaluation (PMID: 19500388, 10839996, 1409720, 31600233). ClinVar contains an entry for this variant (Variation ID: 13663). Based on the evidence outlined above, the variant was classified as pathogenic.

Baylor Genetics
Classification: Pathogenic for Adult hypophosphatasia. Last evaluated: 2023-04-19. Review status: criteria provided, single submitter. Criteria: ACMG Guidelines, 2015. Collection method: clinical testing. Allele origin: unknown.

PreventionGenetics, part of Exact Sciences
Classification: Pathogenic for ALPL-related condition. Last evaluated: 2024-07-26. Review status: no assertion criteria provided. Collection method: clinical testing. Allele origin: germline. Not counted in ClinVar's aggregate classification.
Comment: The ALPL c.211C>T variant is predicted to result in the amino acid substitution p.Arg71Cys. This variant in the heterozygous or along with a second variant in this gene has been reported in multiple individuals with hypophosphatasia (reported as Arg54Cys, Henthorn et al. 1992. PubMed ID: 1409720; Fauvert et al. 2009. PubMed ID: 19500388; Whyte et al. 2015. PubMed ID: 25731960). Different variants affecting the same amino acid (p.Arg71Ser, p.Arg71Gly, p.Arg71His, and p.Arg71Pro) have also been reported to be pathogenic (Human Gene Mutation Database; Whyte et al. 2015. PubMed ID: 25731960). Functional studies suggest that this variant leads to reduced alkaline phosphatase activity (Del Angel. 2020. PubMed ID: 32160374). This variant has not been reported in a large population database, indicating this variant is rare. This variant is interpreted as pathogenic.

Counsyl
Classification: Likely pathogenic for Infantile hypophosphatasia. Last evaluated: 2018-01-15. Review status: no assertion criteria provided. Collection method: clinical testing. Allele origin: unknown. Not counted in ClinVar's aggregate classification.

OMIM
Classification: Pathogenic for HYPOPHOSPHATASIA, INFANTILE. Last evaluated: 1992-10-15. Review status: no assertion criteria provided. Collection method: literature only. Allele origin: germline. Not counted in ClinVar's aggregate classification.

Literature cited by the submitters: PubMed 1409720 (cited by 5 submitters); PubMed 31600233 (cited by 3 submitters); PubMed 10839996 (cited by 5 submitters); PubMed 11438998 (cited by Labcorp Genetics (formerly Invitae), Labcorp); PubMed 22322541 (cited by Labcorp Genetics (formerly Invitae), Labcorp and Genomenon, Inc); PubMed 22397652 (cited by Labcorp Genetics (formerly Invitae), Labcorp); PubMed 25731960 (cited by Labcorp Genetics (formerly Invitae), Labcorp and Genomenon, Inc); PubMed 31760938 (cited by Labcorp Genetics (formerly Invitae), Labcorp); PubMed 19500388 (cited by 4 submitters); PubMed 35878747 (cited by Genomenon, Inc); PubMed 34498693 (cited by Genomenon, Inc); PubMed 20383509 (cited by Genomenon, Inc and Counsyl); PubMed 12162492 (cited by 3 submitters); PubMed 12499779 (cited by Genomenon, Inc); PubMed 32811521 (cited by Natera, Inc.); PubMed 8675582 (cited by Natera, Inc.); PubMed 32973344 (cited by Natera, Inc.); PubMed 32160374 (cited by Natera, Inc.); PubMed 28401263 (cited by Counsyl).

NM_000478.6(ALPL):c.211C>T (p.Arg71Cys)

Gene: ALPL (alkaline phosphatase, biomineralization associated; plus strand). Cytogenetic location: 1p36.12.
Variant type: single nucleotide variant.
Coding change: c.211C>T on transcript NM_000478.6 (MANE Select); coding-DNA position 211, C replaced by T.
Protein change: p.Arg71Cys; replaces arginine 71 with cysteine.
Molecular consequence: missense variant. On other transcripts: intron variant (1).
Genome position (GRCh38, 1-based): chr1:21,561,126, C>T. VCF-style: chr1-21561126-C-T. GRCh37 (hg19) VCF-style: chr1-21887619-C-T.
Other names: R54C; c.211C>T (NM_000478.5); c.46C>T, p.Arg16Cys (NM_001127501.4); c.211C>T, p.Arg71Cys (NM_001369803.2, NM_001369804.2, NM_001369805.2); c.66+381C>T (NM_001177520.3); short protein forms R71C, R16C.
Identifiers: ClinVar variation 13663 (VCV000013663.15), dbSNP rs121918001, ClinGen allele CA256920.